The following is an entry in ClinVar:

NM_005188.4(CBL):c.2092A>G (p.Thr698Ala)

Gene: CBL (Cbl proto-oncogene; plus strand). Cytogenetic location: 11q23.3.
Variant type: single nucleotide variant.
Coding change: c.2092A>G on transcript NM_005188.4 (MANE Select); coding-DNA position 2092, A replaced by G.
Protein change: p.Thr698Ala; replaces threonine 698 with alanine.
Molecular consequence: missense variant.
Genome position (GRCh38, 1-based): chr11:119,296,973, A>G. VCF-style: chr11-119296973-A-G. GRCh37 (hg19) VCF-style: chr11-119167683-A-G.
Other names: short protein forms T698A.
Identifiers: ClinVar variation 4613863 (VCV004613863.1).

ClinVar aggregate classification (germline): Uncertain significance (1 of 4 stars; one submission).

Conditions:
Cardiovascular phenotype. Identifiers: MedGen CN230736.

gnomAD v4.1: 2 of 1,612,784 alleles (0.00012%); highest among the groups gnomAD compares: Non-Finnish European, 0.00017%; no homozygotes.

Submission:

Ambry Genetics
Classification: Uncertain significance for Cardiovascular phenotype. Last evaluated: 2025-11-09. Review status: criteria provided, single submitter. Criteria: Ambry Variant Classification Scheme 2023. Collection method: clinical testing. Allele origin: germline.
Comment: The p.T698A variant (also known as c.2092A>G), located in coding exon 13 of the CBL gene, results from an A to G substitution at nucleotide position 2092. The threonine at codon 698 is replaced by alanine, an amino acid with similar properties. This amino acid position is conserved. In addition, this alteration is predicted to be tolerated by in silico analysis. Based on the available evidence, the clinical significance of this variant remains unclear.